The following is an entry in ClinVar:

NM_000368.5(TSC1):c.129delinsAA (p.Asn43fs)

Gene: TSC1 (TSC complex subunit 1; minus strand). Cytogenetic location: 9q34.13.
Variant type: Indel.
Coding change: c.129delinsAA on transcript NM_000368.5 (MANE Select); coding-DNA position 129, C replaced by AA.
Protein change: p.Asn43fs; shifts the reading frame from asparagine 43.
Molecular consequence: frameshift variant. On other transcripts: intron variant (9), 5 prime UTR variant (9), non-coding transcript variant (4).
Genome position (GRCh38, 1-based): chr9:132,927,282, G replaced by TT on the plus strand (C replaced by AA on the coding strand, the reverse complement: TSC1 is on the minus strand). VCF-style: chr9-132927282-G-TT. GRCh37 (hg19) VCF-style: chr9-135802669-G-TT.
Other names: c.129delinsAA, p.Asn43fs (NM_001162426.2, NM_001162427.2, NM_001406592.1 and 21 more transcripts); c.-154+1485delinsAA (NM_001362177.2, NM_001406625.1, NM_001406621.1 and 3 more transcripts); c.-246+1485delinsAA (NM_001406614.1); c.-360delinsAA (NM_001406615.1, NM_001406623.1); c.-327delinsAA (NM_001406616.1, NM_001406624.1); c.-749delinsAA (NM_001406626.1, NM_001406627.1, NM_001406628.1); c.-891delinsAA (NM_001406629.1); c.-965delinsAA (NM_001406630.1); and 1 more; short protein forms N43fs.
Identifiers: ClinVar variation 2674427 (VCV002674427.1), dbSNP rs2539114415, ClinGen allele CA2695199425.

ClinVar aggregate classification (germline): Pathogenic (1 of 4 stars; one submission).

Conditions:
Tuberous sclerosis 1 (TSC1). Identifiers: Orphanet 805, MedGen C1854465, MONDO:0008612, OMIM 191100.

Submission:

Myriad Genetics, Inc.
Classification: Pathogenic for Tuberous sclerosis 1. Last evaluated: 2023-09-27. Review status: criteria provided, single submitter. Criteria: Myriad Autosomal Dominant, Autosomal Recessive and X-Linked Classification Criteria (2023). Collection method: clinical testing. Allele origin: unknown.
Comment: This variant is considered pathogenic. This variant creates a frameshift predicted to result in premature protein truncation.